The following is an entry in ClinVar:

NM_000153.4(GALC):c.11_14dup (p.Leu6fs)

Gene: GALC (galactosylceramidase; minus strand). Cytogenetic location: 14q31.3.
Variant type: Duplication.
Coding change: c.11_14dup on transcript NM_000153.4 (MANE Select); coding-DNA positions 11 to 14, 4 bases duplicated (GGCT; older notation c.11_14dupGGCT).
Protein change: p.Leu6fs; shifts the reading frame from leucine 6.
Molecular consequence: frameshift variant. On other transcripts: intron variant (1).
Genome position (GRCh38, 1-based): chr14:87,993,151-87,993,154, AGCC duplicated on the plus strand (GGCT on the coding strand, the reverse complement: GALC is on the minus strand); duplicating any 4 consecutive bases within chr14:87,993,151-87,993,155 gives the same sequence; the c. name uses the placement nearest the transcript's 3' end. VCF-style (leftmost placement, unchanged base first): chr14-87993150-T-TAGCC. GRCh37 (hg19) VCF-style: chr14-88459494-T-TAGCC.
Other names: c.11_14dup, p.Leu6fs (NM_001201401.2); c.117+229_117+232dup (NM_001201402.2); short protein forms L6fs.
Identifiers: ClinVar variation 2158347 (VCV002158347.5), dbSNP rs1200665112, ClinGen allele CA709645074.

ClinVar aggregate classification (germline): Conflicting classifications of pathogenicity. Review status: criteria provided, conflicting classifications (1 of 4 stars). 2 submissions from 2 submitters: Pathogenic (1); Uncertain significance (1). Last evaluated 2024-09-20.

Conditions:
Galactosylceramide beta-galactosidase deficiency. Also called: GALACTOCEREBROSIDASE DEFICIENCY; GALC DEFICIENCY; GLOBOID CELL LEUKOENCEPHALOPATHY; Krabbe Disease; Leukodystrophy, Globoid Cell. Identifiers: Orphanet 487, MedGen C0023521, MONDO:0009499, OMIM 245200.

Submissions (2):

Blueprint Genetics
Classification: Uncertain significance. Last evaluated: 2024-09-20. Review status: criteria provided, single submitter. Criteria: ACMG Guidelines, 2015. Collection method: clinical testing. Allele origin: germline.

Labcorp Genetics (formerly Invitae), Labcorp
Classification: Pathogenic for Galactosylceramide beta-galactosidase deficiency. Last evaluated: 2024-01-09. Review status: criteria provided, single submitter. Criteria: Invitae Variant Classification Sherloc (09022015). Collection method: clinical testing. Allele origin: germline.
Comment: This sequence change creates a premature translational stop signal (p.Leu6Alafs*84) in the GALC gene. It is expected to result in an absent or disrupted protein product. Loss-of-function variants in GALC are known to be pathogenic (PMID: 7437911, 9272171, 16607461). This variant is not present in population databases (gnomAD no frequency). This variant has not been reported in the literature in individuals affected with GALC-related conditions. ClinVar contains an entry for this variant (Variation ID: 2158347). For these reasons, this variant has been classified as Pathogenic.

Literature cited by the submitters: PubMed 7437911 (cited by Labcorp Genetics (formerly Invitae), Labcorp); PubMed 9272171 (cited by Labcorp Genetics (formerly Invitae), Labcorp); PubMed 16607461 (cited by Labcorp Genetics (formerly Invitae), Labcorp).